The following is an entry in ClinVar:

ClinVar aggregate classification (germline): Uncertain significance. Review status: criteria provided, multiple submitters, no conflicts (2 of 4 stars). 3 submissions from 3 submitters: Uncertain significance (3). Last evaluated 2023-12-05.

Conditions:
Familial adenomatous polyposis 1 (FAP1). Also called: FAMILIAL ADENOMATOUS POLYPOSIS 1, ATTENUATED; POLYPOSIS, ADENOMATOUS INTESTINAL. Identifiers: MedGen C2713442, MONDO:0021056, OMIM 175100. Disease mechanism: loss of function.
Hereditary cancer-predisposing syndrome. Also called: Tumor predisposition; Hereditary neoplastic syndrome; Hereditary Cancer Syndrome; Neoplastic Syndromes, Hereditary. Identifiers: Orphanet 140162, MedGen C0027672, MeSH D009386, MONDO:0015356.

Allele frequency attached by ClinVar (database versions not stated): gnomAD exomes below 0.00001.
gnomAD v4.1: 4 of 1,614,100 alleles (0.00025%); highest among the groups gnomAD compares: South Asian, 0.0044%; no homozygotes.

Submissions (3):

Labcorp Genetics (formerly Invitae), Labcorp
Classification: Uncertain significance for Familial adenomatous polyposis 1. Last evaluated: 2023-12-05. Review status: criteria provided, single submitter. Criteria: Invitae Variant Classification Sherloc (09022015). Collection method: clinical testing. Allele origin: germline.
Comment: This sequence change replaces glutamic acid, which is acidic and polar, with lysine, which is basic and polar, at codon 1156 of the APC protein (p.Glu1156Lys). This variant is present in population databases (no rsID available, gnomAD 0.003%). This variant has not been reported in the literature in individuals affected with APC-related conditions. ClinVar contains an entry for this variant (Variation ID: 1173029). Advanced modeling of protein sequence and biophysical properties (such as structural, functional, and spatial information, amino acid conservation, physicochemical variation, residue mobility, and thermodynamic stability) performed at Invitae indicates that this missense variant is not expected to disrupt APC protein function with a negative predictive value of 95%. In summary, the available evidence is currently insufficient to determine the role of this variant in disease. Therefore, it has been classified as a Variant of Uncertain Significance.

Ambry Genetics
Classification: Uncertain significance for Hereditary cancer-predisposing syndrome. Last evaluated: 2023-06-22. Review status: criteria provided, single submitter. Criteria: Ambry Variant Classification Scheme 2023. Collection method: clinical testing. Allele origin: germline.
Comment: The p.E1156K variant (also known as c.3466G>A), located in coding exon 15 of the APC gene, results from a G to A substitution at nucleotide position 3466. The glutamic acid at codon 1156 is replaced by lysine, an amino acid with similar properties. This amino acid position is highly conserved in available vertebrate species. In addition, in silico predictors for this gene do not accurately predict pathogenicity. Since supporting evidence is limited at this time, the clinical significance of this alteration remains unclear.

GeneDx
Classification: Uncertain significance. Last evaluated: 2020-03-02. Review status: criteria provided, single submitter. Criteria: GeneDx Variant Classification (06012015). Collection method: clinical testing. Allele origin: germline. Affected: yes.
Comment: Not observed at a significant frequency in large population cohorts (Lek 2016) In silico analysis supports that this missense variant does not alter protein structure/function Has not been previously published as pathogenic or benign to our knowledge

NM_000038.6(APC):c.3466G>A (p.Glu1156Lys)

Gene: APC (APC regulator of Wnt signaling pathway; plus strand). Cytogenetic location: 5q22.2.
Variant type: single nucleotide variant.
Coding change: c.3466G>A on transcript NM_000038.6 (MANE Select); coding-DNA position 3466, G replaced by A.
Protein change: p.Glu1156Lys; replaces glutamic acid 1156 with lysine.
Molecular consequence: missense variant.
Genome position (GRCh38, 1-based): chr5:112,839,060, G>A. VCF-style: chr5-112839060-G-A. GRCh37 (hg19) VCF-style: chr5-112174757-G-A.
Other names: c.3466G>A, p.Glu1156Lys (NM_001127510.3, NM_001354895.2); c.3412G>A, p.Glu1138Lys (NM_001127511.3); c.3520G>A, p.Glu1174Lys (NM_001354896.2); c.3496G>A, p.Glu1166Lys (NM_001354897.2); c.3391G>A, p.Glu1131Lys (NM_001354898.2); c.3382G>A, p.Glu1128Lys (NM_001354899.2); c.3343G>A, p.Glu1115Lys (NM_001354900.2); c.3289G>A, p.Glu1097Lys (NM_001354901.2); and 5 more; short protein forms E1030K, E1055K, E1065K, E1097K, E1115K, E1128K, E1131K, E1138K.
Identifiers: ClinVar variation 1173029 (VCV001173029.6), dbSNP rs1444797750, ClinGen allele CA16028938.